The following is an entry in ClinVar:

ClinVar aggregate classification (germline): Pathogenic. Review status: reviewed by expert panel (3 of 4 stars). 5 submissions from 5 submitters: Pathogenic (1). 4 of the submissions do not count toward it. Last evaluated 2020-10-30.

Conditions:
Phenylketonuria (PKU). Also called: Phenylketonuria (PKU); FOLLING DISEASE; OLIGOPHRENIA PHENYLPYRUVICA; Phenylketonurias. Identifiers: Orphanet 716, MedGen C0031485, MONDO:0009861, OMIM 261600. Disease mechanism: loss of function.

Submissions (5):

ClinGen PAH Variant Curation Expert Panel
Classification: Pathogenic for Phenylketonuria. Last evaluated: 2020-10-30. Review status: reviewed by expert panel. Criteria: ClinGen PAH ACMG Specifications v1. Collection method: curation. Allele origin: germline. Inheritance: Autosomal recessive inheritance.
Comment: The c.578_579del PAH variant has been identified in at least one patient with classic PKU (PMID: 26666653). The patient was compound heterozygous with the pathogenic variant Leu348Val (ClinVar 92727). This variant is absent from 1000G, ESP, and gnomAD databases. This variant leads to the frameshift Leu194GlufsTer5, creating a stop codon in exon 6 of 13 which is predicted to cause NMD. In summary, this variant meets criteria to be classified as pathogenic for PAH. PAH-specific ACMG/AMP criteria applied: PVS1, PP4, PM2, PM3_supporting.

Baylor Genetics
Classification: Pathogenic for Phenylketonuria. Last evaluated: 2024-01-24. Review status: criteria provided, single submitter. Criteria: ACMG Guidelines, 2015. Collection method: clinical testing. Allele origin: unknown. Not counted in ClinVar's aggregate classification.

Women's Health and Genetics/Laboratory Corporation of America, LabCorp
Classification: Pathogenic for Phenylketonuria. Last evaluated: 2022-04-22. Review status: criteria provided, single submitter. Criteria: LabCorp Variant Classification Summary - May 2015. Collection method: clinical testing. Allele origin: germline. Not counted in ClinVar's aggregate classification.
Comment: Variant summary: PAH c.580_581delCT (p.Leu194GlufsX5) results in a premature termination codon, predicted to cause a truncation of the encoded protein or absence of the protein due to nonsense mediated decay, which are commonly known mechanisms for disease. Truncations downstream of this position have been classified as pathogenic by our laboratory. The variant was absent in 251338 control chromosomes (gnomAD). c.580_581delCT has been reported in the literature in multiple individuals affected with Phenylalanine Hydroxylase Deficiency (Phenylketonuria, e.g. Aulehla-Scholz_2003, Sarkissian_2012, Jeannesson-Thivisol_2015). These data indicate that the variant is very likely to be associated with disease. To our knowledge, no experimental evidence demonstrating an impact on protein function has been reported. One ClinVar submitter (an expert panel) has assessed this variant since 2014: the variant was classified as pathogenic. Based on the evidence outlined above, the variant was classified as pathogenic.

Counsyl
Classification: Likely pathogenic for Phenylketonuria. Last evaluated: 2014-06-16. Review status: no assertion criteria provided. Collection method: literature only. Allele origin: unknown. Inheritance: Autosomal recessive inheritance. Not counted in ClinVar's aggregate classification.

DeBelle Laboratory for Biochemical Genetics, MUHC/MCH RESEARCH INSTITUTE
No classification provided. Review status: no classification provided. Collection method: not provided. Allele origin: not provided. Not counted in ClinVar's aggregate classification.

Literature cited by the submitters: PubMed 26666653 (cited by ClinGen PAH Variant Curation Expert Panel and Women's Health and Genetics/Laboratory Corporation of America, LabCorp); PubMed 12655553 (cited by Women's Health and Genetics/Laboratory Corporation of America, LabCorp and Counsyl); PubMed 23430918 (cited by Women's Health and Genetics/Laboratory Corporation of America, LabCorp and Counsyl); PubMed 23672685 (cited by Counsyl).

NM_000277.3(PAH):c.580_581del (p.Leu194fs)

Gene: PAH (phenylalanine hydroxylase; minus strand). Cytogenetic location: 12q23.2.
Variant type: Microsatellite.
Coding change: c.580_581del on transcript NM_000277.3 (MANE Select); coding-DNA positions 580 to 581, 2 bases deleted (CT; older notation c.580_581delCT).
Protein change: p.Leu194fs; shifts the reading frame from leucine 194.
Molecular consequence: frameshift variant.
Genome position (GRCh38, 1-based): chr12:102,855,261-102,855,262, AG deleted on the plus strand (CT on the coding strand, the reverse complement: PAH is on the minus strand); deleting any 2 consecutive bases within chr12:102,855,261-102,855,264 gives the same sequence; the c. name uses the placement nearest the transcript's 3' end. VCF-style (leftmost placement, unchanged base first): chr12-102855260-CAG-C. GRCh37 (hg19) VCF-style: chr12-103249038-CAG-C.
Other names: c.580_581del, p.Leu194fs (NM_001354304.2); short protein forms L194fs.
Identifiers: ClinVar variation 102741 (VCV000102741.6), dbSNP rs62508587, ClinGen allele CA229632.
Genomic context (GRCh38, chr12:102,855,260, plus strand): 5'-TTCAAGAAGTGGAAAAATGTGATTGTACTCATAGCAAGCATGGGTTTTATACAAGGACTT[CAG>C]AGTCTTGAACACTGTGCCCCATGTTTTCTTTTCTTCCTCCATGTATTCCACTCGAGGGAT-3'